The following is an entry in ClinVar:

ClinVar aggregate classification (germline): Conflicting classifications of pathogenicity. Review status: criteria provided, conflicting classifications (1 of 4 stars). 6 submissions from 6 submitters: Uncertain significance (5); Likely benign (1). Last evaluated 2026-01-07.

Conditions:
Hereditary spastic paraplegia 30. Identifiers: Orphanet 101010, MedGen C5235139, MONDO:0012476.
Neuropathy, hereditary sensory, type 2C. Also called: KIF1A-Related HSAN2 (HSAN2C); Hereditary sensory and autonomic neuropathy type IIC. Identifiers: Orphanet 970, MedGen C3280168, MONDO:0013634, OMIM 614213.
Intellectual disability, autosomal dominant 9 (NESCAVS). Also called: NESCAV SYNDROME; KIF1A-Related Neurodevelopmental Disorder. Identifiers: Orphanet 662367, MedGen C5393830, MONDO:0013656, OMIM 614255.
KIF1A-related disorder. Also called: KIF1A-related disorders; KIF1A-related condition.
Inborn genetic diseases. Identifiers: MedGen C0950123, MeSH D030342.

Allele frequency attached by ClinVar (database versions not stated): gnomAD exomes 0.00003 and 0.00007; ExAC 0.00005; gnomAD 0.00017 and 0.00019; TOPMed 0.00031; 1000 Genomes Project 0.00040; 1000 Genomes Project 30x 0.00062.
gnomAD v4.1: 86 of 1,611,308 alleles (0.0053%); highest among the groups gnomAD compares: Admixed American, 0.065%; no homozygotes.

Submissions (6):

PreventionGenetics, part of Exact Sciences
Classification: Uncertain significance for KIF1A-related condition. Last evaluated: 2026-01-07. Review status: criteria provided, single submitter. Criteria: ACMG Guidelines, 2015. Collection method: clinical testing. Allele origin: germline.
Comment: The KIF1A c.3234C>A variant is predicted to result in the amino acid substitution p.Ser1078Arg. To our knowledge, this variant has not been reported in the literature. This variant is reported in 0.034% of alleles in individuals of Latino descent in gnomAD. At this time, the clinical significance of this variant is uncertain due to the absence of conclusive functional and genetic evidence.

Labcorp Genetics (formerly Invitae), Labcorp
Classification: Likely benign for Hereditary spastic paraplegia 30; Neuropathy, hereditary sensory, type 2C; Intellectual disability, autosomal dominant 9. Last evaluated: 2025-12-03. Review status: criteria provided, single submitter. Criteria: Invitae Variant Classification Sherloc (09022015). Collection method: clinical testing. Allele origin: germline.

GeneDx
Classification: Uncertain significance. Last evaluated: 2025-06-17. Review status: criteria provided, single submitter. Criteria: GeneDx Variant Classification Process June 2021. Collection method: clinical testing. Allele origin: germline. Affected: yes.
Comment: In silico analysis supports that this missense variant has a deleterious effect on protein structure/function; Has not been previously published as pathogenic or benign to our knowledge

Blueprint Genetics
Classification: Uncertain significance. Last evaluated: 2021-09-17. Review status: criteria provided, single submitter. Criteria: ACMG Guidelines, 2015. Collection method: clinical testing. Allele origin: germline.

New York Genome Center
Classification: Uncertain significance for Intellectual disability, autosomal dominant 9. Last evaluated: 2021-01-21. Review status: criteria provided, single submitter. Criteria: NYGC Assertion Criteria 2020. Collection method: clinical testing. Allele origin: inherited. Observed: 1 heterozygote. Study: CSER-NYCKidSeq.

Ambry Genetics
Classification: Uncertain significance for Inborn genetic diseases. Last evaluated: 2018-09-02. Review status: criteria provided, single submitter. Criteria: Ambry Variant Classification Scheme 2023. Collection method: clinical testing. Allele origin: germline.
Comment: The p.S977R variant (also known as c.2931C>A), located in coding exon 28 of the KIF1A gene, results from a C to A substitution at nucleotide position 2931. The serine at codon 977 is replaced by arginine, an amino acid with dissimilar properties. This amino acid position is well conserved in available vertebrate species. In addition, the in silico prediction for this alteration is inconclusive. Since supporting evidence is limited at this time, the clinical significance of this alteration remains unclear.

NM_001244008.2(KIF1A):c.3234C>A (p.Ser1078Arg)

Gene: KIF1A (kinesin family member 1A; minus strand). Cytogenetic location: 2q37.3.
Variant type: single nucleotide variant.
Coding change: c.3234C>A on transcript NM_001244008.2 (MANE Select); coding-DNA position 3234, C replaced by A.
Protein change: p.Ser1078Arg; replaces serine 1078 with arginine.
Molecular consequence: missense variant.
Genome position (GRCh38, 1-based): chr2:240,745,878, G>T on the plus strand (C>A on the coding strand, the complement: KIF1A is on the minus strand). VCF-style: chr2-240745878-G-T. GRCh37 (hg19) VCF-style: chr2-241685295-G-T.
Other names: c.2958C>A, p.Ser986Arg (NM_001320705.2, NM_001330289.2, NM_001379638.1); c.3033C>A, p.Ser1011Arg (NM_001330290.2, NM_001379634.1, NM_001379635.1 and 1 more transcripts); c.3309C>A, p.Ser1103Arg (NM_001379631.1); c.3183C>A, p.Ser1061Arg (NM_001379632.1); c.3207C>A, p.Ser1069Arg (NM_001379633.1, NM_001379642.1, NM_001379645.1); c.2931C>A, p.Ser977Arg (NM_001379636.1, NM_001379639.1, NM_001379641.1 and 5 more transcripts); c.3006C>A, p.Ser1002Arg (NM_001379637.1, NM_001379648.1); c.2928C>A, p.Ser976Arg (NM_001379640.1); short protein forms S1078R, S977R, S1011R, S986R, S1002R, S1061R, S1069R, S1103R.
Identifiers: ClinVar variation 532855 (VCV000532855.24), dbSNP rs553976598, ClinGen allele CA2207860.